The following is an entry in ClinVar:

ClinVar aggregate classification (germline): Uncertain significance. Review status: criteria provided, multiple submitters, no conflicts (2 of 4 stars). 2 submissions from 2 submitters: Uncertain significance (2). Last evaluated 2025-11-01.

Allele frequency attached by ClinVar (database versions not stated): TOPMed 0.00001; gnomAD 0.00001.
gnomAD v4.1: 19 of 1,613,752 alleles (0.0012%); highest among the groups gnomAD compares: Middle Eastern, 0.016%; no homozygotes.

Submissions (2):

Labcorp Genetics (formerly Invitae), Labcorp
Classification: Uncertain significance. Last evaluated: 2025-11-01. Review status: criteria provided, single submitter. Criteria: Invitae Variant Classification Sherloc (09022015). Collection method: clinical testing. Allele origin: germline.
Comment: This sequence change replaces arginine, which is basic and polar, with glutamine, which is neutral and polar, at codon 1137 of the NPAT protein (p.Arg1137Gln). This variant is present in population databases (rs771336958, gnomAD 0.004%). This variant has not been reported in the literature in individuals affected with NPAT-related conditions. ClinVar contains an entry for this variant (Variation ID: 2802256). An algorithm developed to predict the effect of missense changes on protein structure and function outputs the following: PolyPhen-2: "Benign". The glutamine amino acid residue is found in multiple mammalian species, which suggests that this missense change does not adversely affect protein function. In summary, the available evidence is currently insufficient to determine the role of this variant in disease. Therefore, it has been classified as a Variant of Uncertain Significance.

Ambry Genetics
Classification: Uncertain significance. Last evaluated: 2025-08-27. Review status: criteria provided, single submitter. Criteria: Ambry Variant Classification Scheme 2023. Collection method: clinical testing. Allele origin: germline.

NM_002519.3(NPAT):c.3410G>A (p.Arg1137Gln)

Gene: NPAT (nuclear protein, coactivator of histone transcription; minus strand). Cytogenetic location: 11q22.3.
Variant type: single nucleotide variant.
Coding change: c.3410G>A on transcript NM_002519.3 (MANE Select); coding-DNA position 3410, G replaced by A.
Protein change: p.Arg1137Gln; replaces arginine 1137 with glutamine.
Molecular consequence: missense variant.
Genome position (GRCh38, 1-based): chr11:108,161,676, C>T on the plus strand (G>A on the coding strand, the complement: NPAT is on the minus strand). VCF-style: chr11-108161676-C-T. GRCh37 (hg19) VCF-style: chr11-108032403-C-T.
Other names: c.3431G>A, p.Arg1144Gln (NM_001321307.1); c.3410G>A (NM_002519.2); short protein forms R1137Q, R1144Q.
Identifiers: ClinVar variation 2802256 (VCV002802256.4), dbSNP rs771336958, ClinGen allele CA6263584.
Genomic context (GRCh38, chr11:108,161,676, plus strand): 5'-AGCACAATTTCTGTTGGTGAAACTTTCTTTTCTGATTGAGTTTCTCTTATGGTGGTATGC[C>T]GGCTAATGGCACTTTCCGATTTAGATAAAATCTTAGGCAGAGGAGGCTTCTCTTTCTCTC-3'
Protein context (NP_002510.2, residues 1127-1147): ILSKSESAIS[Arg1137Gln]HTTIRETQSE